The following is an entry in ClinVar:

ClinVar aggregate classification (germline): Uncertain significance. Review status: criteria provided, multiple submitters, no conflicts (2 of 4 stars). 2 submissions from 2 submitters: Uncertain significance (2). Last evaluated 2024-02-17.

Conditions:
Inborn genetic diseases. Identifiers: MedGen C0950123, MeSH D030342.

Allele frequency attached by ClinVar (database versions not stated): gnomAD exomes below 0.00001; TOPMed below 0.00001; gnomAD 0.00001.
gnomAD v4.1: 4 of 1,207,871 alleles (0.00033%); highest among the groups gnomAD compares: Non-Finnish European, 0.00045%; no homozygotes.

Submissions (2):

Labcorp Genetics (formerly Invitae), Labcorp
Classification: Uncertain significance. Last evaluated: 2024-02-17. Review status: criteria provided, single submitter. Criteria: Invitae Variant Classification Sherloc (09022015). Collection method: clinical testing. Allele origin: germline.
Comment: This sequence change replaces arginine, which is basic and polar, with histidine, which is basic and polar, at codon 295 of the MSN protein (p.Arg295His). This variant is not present in population databases (gnomAD no frequency). This variant has not been reported in the literature in individuals affected with MSN-related conditions. ClinVar contains an entry for this variant (Variation ID: 2330152). An algorithm developed to predict the effect of missense changes on protein structure and function (PolyPhen-2) suggests that this variant is likely to be disruptive. In summary, the available evidence is currently insufficient to determine the role of this variant in disease. Therefore, it has been classified as a Variant of Uncertain Significance.

Ambry Genetics
Classification: Uncertain significance for Inborn genetic diseases. Last evaluated: 2022-11-30. Review status: criteria provided, single submitter. Criteria: Ambry Variant Classification Scheme 2023. Collection method: clinical testing. Allele origin: germline.

NM_002444.3(MSN):c.884G>A (p.Arg295His)

Gene: MSN (moesin; plus strand). Cytogenetic location: Xq12.
Variant type: single nucleotide variant.
Coding change: c.884G>A on transcript NM_002444.3 (MANE Select); coding-DNA position 884, G replaced by A.
Protein change: p.Arg295His; replaces arginine 295 with histidine.
Molecular consequence: missense variant.
Genome position (GRCh38, 1-based): chrX:65,735,355, G>A. VCF-style: chrX-65735355-G-A. GRCh37 (hg19) VCF-style: chrX-64955217-G-A.
Other names: short protein forms R295H.
Identifiers: ClinVar variation 2330152 (VCV002330152.4), dbSNP rs1167624194, ClinGen allele CA413412718.